The following is an entry in ClinVar:

NM_198904.4(GABRG2):c.919T>G (p.Leu307Val)

Gene: GABRG2 (gamma-aminobutyric acid type A receptor subunit gamma2; plus strand). Cytogenetic location: 5q34.
Variant type: single nucleotide variant.
Coding change: c.919T>G on transcript NM_198904.4 (MANE Select); coding-DNA position 919, T replaced by G.
Protein change: p.Leu307Val; replaces leucine 307 with valine.
Molecular consequence: missense variant.
Genome position (GRCh38, 1-based): chr5:162,142,313, T>G. VCF-style: chr5-162142313-T-G. GRCh37 (hg19) VCF-style: chr5-161569319-T-G.
Other names: p.L307V:TTA>GTA; c.919T>G, p.Leu307Val (NM_000816.3, NM_001375340.1); c.910T>G, p.Leu304Val (NM_001375339.1); c.916T>G, p.Leu306Val (NM_001375341.1, NM_001375342.1); c.1039T>G, p.Leu347Val (NM_001375343.1, NM_198903.2); c.958T>G, p.Leu320Val (NM_001375344.1); c.853T>G, p.Leu285Val (NM_001375345.1, NM_001375346.1); c.832T>G, p.Leu278Val (NM_001375347.1); and 2 more; short protein forms L307V, L347V, L167V, L212V, L278V, L285V, L304V, L306V.
Identifiers: ClinVar variation 205548 (VCV000205548.8), dbSNP rs796052509, ClinGen allele CA314729.

ClinVar aggregate classification (germline): Conflicting classifications of pathogenicity. Review status: criteria provided, conflicting classifications (1 of 4 stars). 2 submissions from 2 submitters: Pathogenic (1); Uncertain significance (1). Last evaluated 2021-09-15.

Conditions:
EPILEPSY, CHILDHOOD ABSENCE, SUSCEPTIBILITY TO, 2 (ECA2). Identifiers: Orphanet 64280, MedGen C1843244, OMIM 607681.
Febrile seizures, familial, 8 (FEB8). Also called: CONVULSIONS, FAMILIAL FEBRILE, 8. Identifiers: Orphanet 36387, MedGen C1969810, MONDO:0011891, OMIM 607681.

Submissions (2):

Labcorp Genetics (formerly Invitae), Labcorp
Classification: Uncertain significance for Febrile seizures, familial, 8; EPILEPSY, CHILDHOOD ABSENCE, SUSCEPTIBILITY TO, 2. Last evaluated: 2021-09-15. Review status: criteria provided, single submitter. Criteria: Invitae Variant Classification Sherloc (09022015). Collection method: clinical testing. Allele origin: germline.
Comment: Algorithms developed to predict the effect of sequence changes on RNA splicing suggest that this variant may create or strengthen a splice site. In summary, the available evidence is currently insufficient to determine the role of this variant in disease. Therefore, it has been classified as a Variant of Uncertain Significance. Advanced modeling of protein sequence and biophysical properties (such as structural, functional, and spatial information, amino acid conservation, physicochemical variation, residue mobility, and thermodynamic stability) performed at Invitae indicates that this missense variant is expected to disrupt GABRG2 protein function. ClinVar contains an entry for this variant (Variation ID: 205548). This missense change has been observed in individual(s) with clinical features of GABRG2-related conditions (PMID: 29655203, 30557390). This variant is not present in population databases (ExAC no frequency). This sequence change replaces leucine with valine at codon 307 of the GABRG2 protein (p.Leu307Val). The leucine residue is highly conserved and there is a small physicochemical difference between leucine and valine.

GeneDx
Classification: Pathogenic. Last evaluated: 2012-09-06. Review status: criteria provided, single submitter. Criteria: GeneDx Variant Classification (06012015). Collection method: clinical testing. Allele origin: germline. Affected: yes.
Comment: p.Leu307Val (TTA>GTA):c.919 T>G in exon 7 of the GABRG2 gene (NM_000816.3) The Leu307Val missense change has not been published as a mutation, nor has it been reported as a benign polymorphism to our knowledge. The NHLBI ESP Exome Variant Project has not identified Leu307Val in approximately 6,500 individuals of European or African American ethnicity, indicating that it is not a common benign variant in these populations. Leu307Val alters a highly conserved position in the second transmembrane domain of the GABRG2 protein. The amino acid substitution is conservative, as both Leucine and Valine are uncharged, non-polar amino acids of similar size. While some in silico algorithms predict that Leu307Val is damaging to protein structure/function, other models predict that it is benign. Therefore, the currently available information suggests that L307V is pathogenic. This variant has been observed de novo without verified parentage. The variant is found in EPILEPSY panel(s).

Literature cited by the submitters: PubMed 29655203 (cited by Labcorp Genetics (formerly Invitae), Labcorp); PubMed 30557390 (cited by Labcorp Genetics (formerly Invitae), Labcorp).